The following is an entry in ClinVar:

NM_001394062.1(MACF1):c.3125A>G (p.Lys1042Arg)

Gene: MACF1 (microtubule actin crosslinking factor 1; plus strand). Cytogenetic location: 1p34.3.
Variant type: single nucleotide variant.
Coding change: c.3125A>G on transcript NM_001394062.1 (MANE Select); coding-DNA position 3125, A replaced by G.
Protein change: p.Lys1042Arg; replaces lysine 1042 with arginine.
Molecular consequence: missense variant.
Genome position (GRCh38, 1-based): chr1:39,310,855, A>G. VCF-style: chr1-39310855-A-G. GRCh37 (hg19) VCF-style: chr1-39776527-A-G.
Other names: c.3140A>G, p.Lys1047Arg (NM_012090.5); c.3140A>G (NM_012090.4); short protein forms K1042R, K1047R.
Identifiers: ClinVar variation 2638694 (VCV002638694.30), dbSNP rs141861752, ClinGen allele CA779901.

ClinVar aggregate classification (germline): Benign/Likely benign. Review status: criteria provided, multiple submitters, no conflicts (2 of 4 stars). 5 submissions from 5 submitters: Benign (1); Likely benign (4). Last evaluated 2026-06-01.

Conditions:
Inborn genetic diseases. Identifiers: MedGen C0950123, MeSH D030342.

Allele frequency attached by ClinVar (database versions not stated): gnomAD exomes 0.00013; TOPMed 0.00014; ESP Exome Variant Server 0.00015; gnomAD 0.00023; ExAC 0.00025.
gnomAD v4.1: 224 of 1,613,218 alleles (0.014%); highest among the groups gnomAD compares: Non-Finnish European, 0.016%; no homozygotes.

Submissions (5):

CeGaT Center for Human Genetics Tuebingen
Classification: Likely benign. Last evaluated: 2026-06-01. Review status: criteria provided, single submitter. Criteria: CeGaT Center For Human Genetics Tuebingen Variant Classification Criteria Version 2. Collection method: clinical testing. Allele origin: germline. Affected: yes. Observed: 3 variant alleles.
Comment: MACF1: BP4, BS2

Labcorp Genetics (formerly Invitae), Labcorp
Classification: Benign. Last evaluated: 2025-11-10. Review status: criteria provided, single submitter. Criteria: Invitae Variant Classification Sherloc (09022015). Collection method: clinical testing. Allele origin: germline.

Laboratory of Genetics, Children's Clinical University Hospital Latvia
Classification: Likely benign. Last evaluated: 2025-02-16. Review status: criteria provided, single submitter. Criteria: ACMG Guidelines, 2015. Collection method: clinical testing. Allele origin: germline. Affected: yes.

Blueprint Genetics
Classification: Likely benign. Last evaluated: 2024-10-25. Review status: criteria provided, single submitter. Criteria: ACMG Guidelines, 2015. Collection method: clinical testing. Allele origin: germline.

Ambry Genetics
Classification: Likely benign for Inborn genetic diseases. Last evaluated: 2023-12-14. Review status: criteria provided, single submitter. Criteria: Ambry Variant Classification Scheme 2023. Collection method: clinical testing. Allele origin: germline.